The following is an entry in ClinVar:

ClinVar aggregate classification (germline): Uncertain significance. Review status: criteria provided, multiple submitters, no conflicts (2 of 4 stars). 2 submissions from 2 submitters: Uncertain significance (2). Last evaluated 2022-01-24.

Conditions:
Hypertrophic cardiomyopathy 1 (CMH1). Also called: Familial hypertrophic cardiomyopathy 1; MYH7-Related Familial Hypertrophic Cardiomyopathy. Identifiers: MedGen C3495498, MONDO:0008647, OMIM 192600.
Atrial septal defect 3 (ASD3). Identifiers: Orphanet 1478, MedGen C3279790, MONDO:0013567, OMIM 614089.
Dilated cardiomyopathy 1EE (CMD1EE). Identifiers: Orphanet 154, MedGen C2750466, MONDO:0013198, OMIM 613252.
Hypertrophic cardiomyopathy 14. Identifiers: MedGen C2750467, MONDO:0013197, OMIM 613251.
Sick sinus syndrome 3, susceptibility to (SSS3). Identifiers: Orphanet 166282, MedGen C3279791, MONDO:0013568, OMIM 614090.

Allele frequency attached by ClinVar (database versions not stated): gnomAD exomes below 0.00001; ExAC 0.00001; TOPMed 0.00001.
gnomAD v4.1: 7 of 1,614,246 alleles (0.00043%); highest among the groups gnomAD compares: Middle Eastern, 0.016%; no homozygotes.

Submissions (2):

Fulgent Genetics
Classification: Uncertain significance for Hypertrophic cardiomyopathy 1; Hypertrophic cardiomyopathy 14; Dilated cardiomyopathy 1EE; Atrial septal defect 3; Sick sinus syndrome 3, susceptibility to. Last evaluated: 2022-01-24. Review status: criteria provided, single submitter. Criteria: ACMG Guidelines, 2015. Collection method: clinical testing. Allele origin: unknown.

Labcorp Genetics (formerly Invitae), Labcorp
Classification: Uncertain significance for Familial hypertrophic cardiomyopathy 14. Last evaluated: 2019-01-14. Review status: criteria provided, single submitter. Criteria: Invitae Variant Classification Sherloc (09022015). Collection method: clinical testing. Allele origin: germline.
Comment: This sequence change replaces arginine with cysteine at codon 244 of the MYH6 protein (p.Arg244Cys). The arginine residue is weakly conserved and there is a large physicochemical difference between arginine and cysteine. This variant is present in population databases (rs759116118, ExAC 0.006%). This variant has not been reported in the literature in individuals with MYH6-related conditions. Algorithms developed to predict the effect of missense changes on protein structure and function are either unavailable or do not agree on the potential impact of this missense change (SIFT: "Deleterious"; PolyPhen-2: "Probably Damaging"; Align-GVGD: "Class C0"). In summary, the available evidence is currently insufficient to determine the role of this variant in disease. Therefore, it has been classified as a Variant of Uncertain Significance.

NM_002471.4(MYH6):c.730C>T (p.Arg244Cys)

Gene: MYH6 (myosin heavy chain 6; minus strand). Cytogenetic location: 14q11.2.
Variant type: single nucleotide variant.
Coding change: c.730C>T on transcript NM_002471.4 (MANE Select); coding-DNA position 730, C replaced by T.
Protein change: p.Arg244Cys; replaces arginine 244 with cysteine.
Molecular consequence: missense variant.
Genome position (GRCh38, 1-based): chr14:23,404,301, G>A on the plus strand (C>T on the coding strand, the complement: MYH6 is on the minus strand). VCF-style: chr14-23404301-G-A. GRCh37 (hg19) VCF-style: chr14-23873510-G-A.
Other names: short protein forms R244C.
Identifiers: ClinVar variation 855033 (VCV000855033.2), dbSNP rs759116118, ClinGen allele CA7116055.